The following is an entry in ClinVar:

ClinVar aggregate classification (germline): Conflicting classifications of pathogenicity. Review status: criteria provided, conflicting classifications (1 of 4 stars). 5 submissions from 5 submitters: Uncertain significance (1); Likely benign (2). 2 of the submissions do not count toward it. Last evaluated 2026-01-28.

Conditions:
DHCR7-related disorder. Also called: DHCR7-related condition.
Inborn genetic diseases. Identifiers: MedGen C0950123, MeSH D030342.
Smith-Lemli-Opitz syndrome (SLOS). Also called: 7-Dehydrocholesterol reductase deficiency; LETHAL ACRODYSGENITAL SYNDROME; POLYDACTYLY, SEX REVERSAL, RENAL HYPOPLASIA, AND UNILOBAR LUNG; RSH SYNDROME; RUTLEDGE LETHAL MULTIPLE CONGENITAL ANOMALY SYNDROME. Identifiers: Orphanet 818, MedGen C0175694, MONDO:0010035, OMIM 270400.

Allele frequency attached by ClinVar (database versions not stated): gnomAD exomes 0.00001 and 0.00002; ExAC 0.00004; TOPMed 0.00010; gnomAD 0.00011 and 0.00012; ESP Exome Variant Server 0.00023.
gnomAD v4.1: 34 of 1,612,356 alleles (0.0021%); highest among the groups gnomAD compares: African/African-American, 0.032%; no homozygotes.

Submissions (5):

Labcorp Genetics (formerly Invitae), Labcorp
Classification: Likely benign for Smith-Lemli-Opitz syndrome. Last evaluated: 2026-01-28. Review status: criteria provided, single submitter. Criteria: Invitae Variant Classification Sherloc (09022015). Collection method: clinical testing. Allele origin: germline.

Eurofins Ntd Llc (ga)
Classification: Uncertain significance. Last evaluated: 2017-05-02. Review status: criteria provided, single submitter. Criteria: EGL Classification Definitions 2015. Collection method: clinical testing. Allele origin: germline. Observed: 4 variant alleles, 4 heterozygotes.

Ambry Genetics
Classification: Likely benign for Inborn genetic diseases. Last evaluated: 2016-10-19. Review status: criteria provided, single submitter. Criteria: Ambry Variant Classification Scheme 2023. Collection method: clinical testing. Allele origin: germline.

PreventionGenetics, part of Exact Sciences
Classification: Likely benign for DHCR7-related condition. Last evaluated: 2021-08-23. Review status: no assertion criteria provided. Collection method: clinical testing. Allele origin: germline. Not counted in ClinVar's aggregate classification.
Comment: This variant is classified as likely benign based on ACMG/AMP sequence variant interpretation guidelines (Richards et al. 2015 PMID: 25741868, with internal and published modifications).

Natera, Inc.
Classification: Likely benign for Smith-Lemli-Opitz syndrome. Last evaluated: 2020-09-16. Review status: no assertion criteria provided. Collection method: clinical testing. Allele origin: germline. Not counted in ClinVar's aggregate classification.

NM_001360.3(DHCR7):c.1410G>A (p.Leu470=)

Gene: DHCR7 (7-dehydrocholesterol reductase; minus strand). Cytogenetic location: 11q13.4.
Variant type: single nucleotide variant.
Coding change: c.1410G>A on transcript NM_001360.3 (MANE Select); coding-DNA position 1410, G replaced by A.
Protein change: p.Leu470=; no amino-acid change (leucine 470 retained).
Molecular consequence: synonymous variant.
Genome position (GRCh38, 1-based): chr11:71,435,393, C>T on the plus strand (G>A on the coding strand, the complement: DHCR7 is on the minus strand). VCF-style: chr11-71435393-C-T. GRCh37 (hg19) VCF-style: chr11-71146439-C-T.
Other names: c.1410G>A, p.Leu470= (NM_001163817.2).
Identifiers: ClinVar variation 501850 (VCV000501850.21), dbSNP rs375993195, ClinGen allele CA6162233.